The following is an entry in ClinVar:

NM_000297.4(PKD2):c.131G>T (p.Gly44Val)

Genes: PKD2 (polycystin 2, transient receptor potential cation channel; plus strand), LOC129992813 (ATAC-STARR-seq lymphoblastoid silent region 15559; plus strand). Cytogenetic location: 4q22.1.
Variant type: single nucleotide variant.
Coding change: c.131G>T on transcript NM_000297.4 (MANE Select); coding-DNA position 131, G replaced by T.
Protein change: p.Gly44Val; replaces glycine 44 with valine.
Molecular consequence: missense variant. On other transcripts: non-coding transcript variant (1).
Genome position (GRCh38, 1-based): chr4:88,007,864, G>T. VCF-style: chr4-88007864-G-T. GRCh37 (hg19) VCF-style: chr4-88929016-G-T.
Other names: c.131G>T (NM_000297.3); short protein forms G44V.
Identifiers: ClinVar variation 3626083 (VCV003626083.4).

ClinVar aggregate classification (germline): Uncertain significance. Review status: criteria provided, multiple submitters, no conflicts (2 of 4 stars). 3 submissions from 3 submitters: Uncertain significance (3). Last evaluated 2026-08-28.

Conditions:
Autosomal dominant polycystic kidney disease. Identifiers: Orphanet 730, MedGen C0085413, MONDO:0004691.
PKD2-related disorder. Also called: PKD2-related condition.

gnomAD v4.1: 61 of 1,243,044 alleles (0.0049%); highest among the groups gnomAD compares: Non-Finnish European, 0.006%; no homozygotes.

Submissions (3):

PreventionGenetics, part of Exact Sciences
Classification: Uncertain significance for PKD2-related condition. Last evaluated: 2026-08-28. Review status: criteria provided, single submitter. Criteria: ACMG Guidelines, 2015. Collection method: clinical testing. Allele origin: germline.
Comment: The PKD2 c.131G>T variant is predicted to result in the amino acid substitution p.Gly44Val. To our knowledge, this variant has not been reported in the literature or in a large population database (gnomAD), indicating this variant is rare. At this time, the clinical significance of this variant is uncertain due to the absence of conclusive functional and genetic evidence.

Labcorp Genetics (formerly Invitae), Labcorp
Classification: Uncertain significance for Autosomal dominant polycystic kidney disease. Last evaluated: 2026-01-04. Review status: criteria provided, single submitter. Criteria: Invitae Variant Classification Sherloc (09022015). Collection method: clinical testing. Allele origin: germline.
Comment: This sequence change replaces glycine, which is neutral and non-polar, with valine, which is neutral and non-polar, at codon 44 of the PKD2 protein (p.Gly44Val). The frequency data for this variant in the population databases is considered unreliable, as metrics indicate insufficient coverage at this position in the gnomAD database. This variant has not been reported in the literature in individuals affected with PKD2-related conditions. ClinVar contains an entry for this variant (Variation ID: 3626083). An algorithm developed to predict the effect of missense changes on protein structure and function (PolyPhen-2) suggests that this variant is likely to be tolerated. In summary, the available evidence is currently insufficient to determine the role of this variant in disease. Therefore, it has been classified as a Variant of Uncertain Significance.

Blueprint Genetics
Classification: Uncertain significance. Last evaluated: 2023-08-14. Review status: criteria provided, single submitter. Criteria: ACMG Guidelines, 2015. Collection method: clinical testing. Allele origin: germline.